The following is an entry in ClinVar:

ClinVar aggregate classification (germline): Uncertain significance (1 of 4 stars; one submission).

Conditions:
Atrioventricular septal defect 4 (AVSD4). Identifiers: MedGen C3280781, MONDO:0013747, OMIM 614430.

Submission:

Labcorp Genetics (formerly Invitae), Labcorp
Classification: Uncertain significance for Atrioventricular septal defect 4. Last evaluated: 2022-09-15. Review status: criteria provided, single submitter. Criteria: Invitae Variant Classification Sherloc (09022015). Collection method: clinical testing. Allele origin: germline.
Comment: In summary, the available evidence is currently insufficient to determine the role of this variant in disease. Therefore, it has been classified as a Variant of Uncertain Significance. Algorithms developed to predict the effect of missense changes on protein structure and function (SIFT, PolyPhen-2, Align-GVGD) all suggest that this variant is likely to be tolerated. This variant has not been reported in the literature in individuals affected with GATA4-related conditions. This sequence change replaces proline, which is neutral and non-polar, with arginine, which is basic and polar, at codon 413 of the GATA4 protein (p.Pro413Arg). This variant is not present in population databases (gnomAD no frequency).

NM_001308093.3(GATA4):c.1241C>G (p.Pro414Arg)

Gene: GATA4 (GATA binding protein 4). Cytogenetic location: 8p23.1.
Variant type: single nucleotide variant.
Coding change: c.1241C>G on transcript NM_001308093.3 (MANE Select); coding-DNA position 1241, C replaced by G.
Protein change: p.Pro414Arg; replaces proline 414 with arginine.
Molecular consequence: missense variant.
Genome position (GRCh38, 1-based): chr8:11,758,384, C>G. VCF-style: chr8-11758384-C-G. GRCh37 (hg19) VCF-style: chr8-11615893-C-G.
Other names: c.620C>G, p.Pro207Arg (NM_001308094.2, NM_001374273.1); c.494C>G, p.Pro165Arg (NM_001374274.1); c.1238C>G, p.Pro413Arg (NM_002052.5); short protein forms P165R, P207R, P413R, P414R.
Identifiers: ClinVar variation 1719468 (VCV001719468.5), dbSNP rs773626580, ClinGen allele CA370315707.
Genomic context (GRCh38, chr8:11,758,384, plus strand): 5'-GGCCCTCCATCCACCCTGTCCTCTCGGCCCTGAAGCTCTCCCCACAAGGCTATGCGTCTC[C>G]CGTCAGCCAGTCTCCACAGACCAGCTCCAAGCAGGACTCTTGGAACAGCCTGGTCTTGGC-3'
Protein context (NP_001295022.1, residues 404-424): LKLSPQGYAS[Pro414Arg]VSQSPQTSSK